The following is an entry in ClinVar:

NM_001024630.4(RUNX2):c.859+5G>A

Gene: RUNX2 (RUNX family transcription factor 2; plus strand). Cytogenetic location: 6p21.1.
Variant type: single nucleotide variant.
Coding change: c.859+5G>A on transcript NM_001024630.4 (MANE Select); 5 bases into the intron after coding-DNA position 859, G replaced by A.
Molecular consequence: intron variant.
Genome position (GRCh38, 1-based): chr6:45,492,119, G>A. VCF-style: chr6-45492119-G-A. GRCh37 (hg19) VCF-style: chr6-45459856-G-A.
Other names: c.859+5G>A (NM_001015051.4); c.817+5G>A (NM_001369405.1, NM_001278478.2).
Identifiers: ClinVar variation 3633021 (VCV003633021.2).

ClinVar aggregate classification (germline): Uncertain significance (1 of 4 stars; one submission).

Submission:

Labcorp Genetics (formerly Invitae), Labcorp
Classification: Uncertain significance. Last evaluated: 2024-11-02. Review status: criteria provided, single submitter. Criteria: Invitae Variant Classification Sherloc (09022015). Collection method: clinical testing. Allele origin: germline.
Comment: This sequence change falls in intron 6 of the RUNX2 gene. It does not directly change the encoded amino acid sequence of the RUNX2 protein. It affects a nucleotide within the consensus splice site. This variant is not present in population databases (gnomAD no frequency). This variant has not been reported in the literature in individuals affected with RUNX2-related conditions. Variants that disrupt the consensus splice site are a relatively common cause of aberrant splicing (PMID: 17576681, 9536098). Algorithms developed to predict the effect of sequence changes on RNA splicing suggest that this variant is not likely to affect RNA splicing. In summary, the available evidence is currently insufficient to determine the role of this variant in disease. Therefore, it has been classified as a Variant of Uncertain Significance.

Literature cited by the submitters: PubMed 17576681; PubMed 9536098.